The following is an entry in ClinVar:

NM_031157.4(HNRNPA1):c.874_875delinsGG (p.Asn292Gly)

Gene: HNRNPA1 (heterogeneous nuclear ribonucleoprotein A1; plus strand). Cytogenetic location: 12q13.13.
Variant type: Indel.
Coding change: c.874_875delinsGG on transcript NM_031157.4 (MANE Select); coding-DNA positions 874 to 875, AA replaced by GG.
Protein change: p.Asn292Gly; replaces asparagine 292 with glycine.
Molecular consequence: missense variant. On other transcripts: intron variant (1).
Genome position (GRCh38, 1-based): chr12:54,283,201-54,283,202, AA replaced by GG. VCF-style: chr12-54283201-AA-GG. GRCh37 (hg19) VCF-style: chr12-54676985-AA-GG.
Other names: c.751+327_751+328delinsGG (NM_002136.4); short protein forms N292G.
Identifiers: ClinVar variation 3345656 (VCV003345656.1).

ClinVar aggregate classification (germline): Uncertain significance (0 of 4 stars; one submission).

Conditions:
HNRNPA1-related disorder. Also called: HNRNPA1-related condition.

Submission:

PreventionGenetics, part of Exact Sciences
Classification: Uncertain significance for HNRNPA1-related condition. Last evaluated: 2024-05-03. Review status: no assertion criteria provided. Collection method: clinical testing. Allele origin: germline.
Comment: The HNRNPA1 c.874_875delinsGG variant is predicted to result in an in-frame deletion and insertion. To our knowledge, this variant has not been reported in the literature or in a large population database, indicating this variant is rare. At this time, the clinical significance of this variant is uncertain due to the absence of conclusive functional and genetic evidence.